The following is an entry in ClinVar:

NM_001572.5(IRF7):c.1303G>A (p.Gly435Arg)

Gene: IRF7 (interferon regulatory factor 7; minus strand). Cytogenetic location: 11p15.5.
Variant type: single nucleotide variant.
Coding change: c.1303G>A on transcript NM_001572.5 (MANE Select); coding-DNA position 1303, G replaced by A.
Protein change: p.Gly435Arg; replaces glycine 435 with arginine.
Molecular consequence: missense variant.
Genome position (GRCh38, 1-based): chr11:613,052, C>T on the plus strand (G>A on the coding strand, the complement: IRF7 is on the minus strand). VCF-style: chr11-613052-C-T. GRCh37 (hg19) VCF-style: chr11-613052-C-T.
Other names: c.1216G>A, p.Gly406Arg (NM_004029.4); c.1342G>A, p.Gly448Arg (NM_004031.4); short protein forms G406R, G435R, G448R.
Identifiers: ClinVar variation 1934335 (VCV001934335.5), dbSNP rs780994139, ClinGen allele CA5783503.

ClinVar aggregate classification (germline): Uncertain significance (1 of 4 stars; one submission).

Conditions:
Immunodeficiency 39 (IMD39). Identifiers: Orphanet 574918, MedGen C4225358, MONDO:0014597, OMIM 616345.

Allele frequency attached by ClinVar (database versions not stated): TOPMed 0.00001; ExAC 0.00002.
gnomAD v4.1: 22 of 1,613,098 alleles (0.0014%); highest among the groups gnomAD compares: East Asian, 0.0022%; no homozygotes.

Submission:

Labcorp Genetics (formerly Invitae), Labcorp
Classification: Uncertain significance for Immunodeficiency 39. Last evaluated: 2023-12-09. Review status: criteria provided, single submitter. Criteria: Invitae Variant Classification Sherloc (09022015). Collection method: clinical testing. Allele origin: germline.
Comment: This sequence change replaces glycine, which is neutral and non-polar, with arginine, which is basic and polar, at codon 448 of the IRF7 protein (p.Gly448Arg). This variant is present in population databases (rs780994139, gnomAD 0.007%). This variant has not been reported in the literature in individuals affected with IRF7-related conditions. ClinVar contains an entry for this variant (Variation ID: 1934335). Advanced modeling of protein sequence and biophysical properties (such as structural, functional, and spatial information, amino acid conservation, physicochemical variation, residue mobility, and thermodynamic stability) performed at Invitae indicates that this missense variant is expected to disrupt IRF7 protein function with a positive predictive value of 80%. In summary, the available evidence is currently insufficient to determine the role of this variant in disease. Therefore, it has been classified as a Variant of Uncertain Significance.